The following is an entry in ClinVar:

NM_001377229.1(DISP1):c.3182G>A (p.Arg1061His)

Gene: DISP1 (dispatched RND transporter family member 1; plus strand). Cytogenetic location: 1q41.
Variant type: single nucleotide variant.
Coding change: c.3182G>A on transcript NM_001377229.1 (MANE Select); coding-DNA position 3182, G replaced by A.
Protein change: p.Arg1061His; replaces arginine 1061 with histidine.
Molecular consequence: missense variant.
Genome position (GRCh38, 1-based): chr1:223,004,579, G>A. VCF-style: chr1-223004579-G-A. GRCh37 (hg19) VCF-style: chr1-223177921-G-A.
Other names: c.2453G>A, p.Arg818His (NM_001350630.2); c.3182G>A, p.Arg1061His (NM_001369594.1, NM_001377228.1, NM_032890.5); short protein forms R1061H, R818H.
Identifiers: ClinVar variation 4011861 (VCV004011861.2).

ClinVar aggregate classification (germline): Uncertain significance. Review status: criteria provided, multiple submitters, no conflicts (2 of 4 stars). 2 submissions from 2 submitters: Uncertain significance (2). Last evaluated 2025-10-21.

gnomAD v4.1: 49 of 1,613,978 alleles (0.003%); highest among the groups gnomAD compares: Middle Eastern, 0.016%; no homozygotes.

Submissions (2):

Labcorp Genetics (formerly Invitae), Labcorp
Classification: Uncertain significance. Last evaluated: 2025-10-21. Review status: criteria provided, single submitter. Criteria: Invitae Variant Classification Sherloc (09022015). Collection method: clinical testing. Allele origin: germline.
Comment: This sequence change replaces arginine, which is basic and polar, with histidine, which is basic and polar, at codon 1061 of the DISP1 protein (p.Arg1061His). This variant is present in population databases (rs765161029, gnomAD 0.006%). This variant has not been reported in the literature in individuals affected with DISP1-related conditions. ClinVar contains an entry for this variant (Variation ID: 4011861). An algorithm developed to predict the effect of missense changes on protein structure and function (PolyPhen-2) suggests that this variant is likely to be disruptive. In summary, the available evidence is currently insufficient to determine the role of this variant in disease. Therefore, it has been classified as a Variant of Uncertain Significance.

Ambry Genetics
Classification: Uncertain significance. Last evaluated: 2025-06-03. Review status: criteria provided, single submitter. Criteria: Ambry Variant Classification Scheme 2023. Collection method: clinical testing. Allele origin: germline.